The following is an entry in ClinVar:

ClinVar aggregate classification (germline): Uncertain significance (1 of 4 stars; one submission).

Allele frequency attached by ClinVar (database versions not stated): gnomAD exomes below 0.00001.
gnomAD v4.1: 2 of 1,552,948 alleles (0.00013%); highest among the groups gnomAD compares: Non-Finnish European, 0.00017%; no homozygotes.

Submission:

GeneDx
Classification: Uncertain significance. Last evaluated: 2021-12-03. Review status: criteria provided, single submitter. Criteria: GeneDx Variant Classification Process June 2021. Collection method: clinical testing. Allele origin: germline. Affected: yes.
Comment: Not observed at significant frequency in large population cohorts (gnomAD); In silico analysis supports that this missense variant does not alter protein structure/function; Has not been previously published as pathogenic or benign to our knowledge

NM_020719.3(PRR12):c.892G>A (p.Ala298Thr)

Gene: PRR12 (proline rich 12; plus strand). Cytogenetic location: 19q13.33.
Variant type: single nucleotide variant.
Coding change: c.892G>A on transcript NM_020719.3 (MANE Select); coding-DNA position 892, G replaced by A.
Protein change: p.Ala298Thr; replaces alanine 298 with threonine.
Molecular consequence: missense variant.
Genome position (GRCh38, 1-based): chr19:49,595,227, G>A. VCF-style: chr19-49595227-G-A. GRCh37 (hg19) VCF-style: chr19-50098484-G-A.
Other names: short protein forms A298T.
Identifiers: ClinVar variation 1691178 (VCV001691178.2), dbSNP rs2080757930, ClinGen allele CA406858444.